The following is an entry in ClinVar:

NM_172364.5(CACNA2D4):c.2065A>G (p.Ile689Val)

Gene: CACNA2D4 (calcium voltage-gated channel auxiliary subunit alpha2delta 4; minus strand). Cytogenetic location: 12p13.33.
Variant type: single nucleotide variant.
Coding change: c.2065A>G on transcript NM_172364.5 (MANE Select); coding-DNA position 2065, A replaced by G.
Protein change: p.Ile689Val; replaces isoleucine 689 with valine.
Molecular consequence: missense variant.
Genome position (GRCh38, 1-based): chr12:1,856,099, T>C on the plus strand (A>G on the coding strand, the complement: CACNA2D4 is on the minus strand). VCF-style: chr12-1856099-T-C. GRCh37 (hg19) VCF-style: chr12-1965265-T-C.
Other names: short protein forms I689V.
Identifiers: ClinVar variation 100606 (VCV000100606.17), dbSNP rs76224631, ClinGen allele CA228950.

ClinVar aggregate classification (germline): Benign. Review status: criteria provided, multiple submitters, no conflicts (2 of 4 stars). 5 submissions from 5 submitters: Benign (4). 1 of the submissions does not count toward it. Last evaluated 2026-02-01.

Conditions:
Retinal cone dystrophy 4 (RCD4). Identifiers: Orphanet 1872, MedGen C1864849, MONDO:0012507, OMIM 610478.

Allele frequency attached by ClinVar (database versions not stated): gnomAD exomes 0.00165 and 0.00379; ExAC 0.00434; ESP Exome Variant Server 0.01236; gnomAD 0.01455 and 0.01557; TOPMed 0.01581; 1000 Genomes Project 0.01657; 1000 Genomes Project 30x 0.01796.
gnomAD v4.1: 4,790 of 1,613,976 alleles (0.3%); highest among the groups gnomAD compares: African/African-American, 4.7%; 111 homozygotes.

Submissions (5):

Labcorp Genetics (formerly Invitae), Labcorp
Classification: Benign. Last evaluated: 2026-02-01. Review status: criteria provided, single submitter. Criteria: Invitae Variant Classification Sherloc (09022015). Collection method: clinical testing. Allele origin: germline.

Illumina Laboratory Services, Illumina
Classification: Benign for Retinal cone dystrophy 4. Last evaluated: 2018-01-12. Review status: criteria provided, single submitter. Criteria: ICSL Variant Classification Criteria 13 December 2019. Collection method: clinical testing. Allele origin: germline.
Comment: This variant was observed in the ICSL laboratory as part of a predisposition screen in an ostensibly healthy population. It had not been previously curated by ICSL or reported in the Human Gene Mutation Database (HGMD: prior to June 1st, 2018), and was therefore a candidate for classification through an automated scoring system. Utilizing variant allele frequency, disease prevalence and penetrance estimates, and inheritance mode, an automated score was calculated to assess if this variant is too frequent to cause the disease. Based on the score and internal cut-off values, a variant classified as benign is not then subjected to further curation. The score for this variant resulted in a classification of benign for this disease.

Breakthrough Genomics
Classification: Benign. Review status: criteria provided, single submitter. Criteria: ACMG Guidelines, 2015. Collection method: not provided. Allele origin: germline. Inheritance: Autosomal recessive inheritance. Affected: yes.

PreventionGenetics, part of Exact Sciences
Classification: Benign. Review status: criteria provided, single submitter. Criteria: ACMG Guidelines, 2015. Collection method: clinical testing. Allele origin: germline.

NEI Ophthalmic Genomics Laboratory, National Institutes of Health
No classification provided. Review status: no classification provided. Collection method: not provided. Allele origin: not provided. Not counted in ClinVar's aggregate classification.